The following is an entry in ClinVar:

ClinVar aggregate classification (germline): Pathogenic. Review status: reviewed by expert panel (3 of 4 stars). 2 submissions from 2 submitters: Pathogenic (1). 1 of the submissions does not count toward it. Last evaluated 2016-09-08.

Conditions:
Breast-ovarian cancer, familial, susceptibility to, 2 (BROVCA2). Also called: BRCA2 Hereditary Breast and Ovarian Cancer. Identifiers: Orphanet 145, MedGen C2675520, MONDO:0012933, OMIM 612555. Disease mechanism: loss of function.

Submissions (2):

Evidence-based Network for the Interpretation of Germline Mutant Alleles (ENIGMA)
Classification: Pathogenic for Breast-ovarian cancer, familial, susceptibility to, 2. Last evaluated: 2016-09-08. Review status: reviewed by expert panel. Criteria: ENIGMA BRCA1/2 Classification Criteria (2015). Collection method: curation. Allele origin: germline.
Comment: Variant allele predicted to encode a truncated non-functional protein.

Consortium of Investigators of Modifiers of BRCA1/2 (CIMBA), c/o University of Cambridge
Classification: Pathogenic for Breast-ovarian cancer, familial, susceptibility to, 2. Last evaluated: 2015-10-02. Review status: criteria provided, single submitter. Criteria: CIMBA Mutation Classification guidelines May 2016. Collection method: clinical testing. Allele origin: germline. Not counted in ClinVar's aggregate classification.

NM_000059.4(BRCA2):c.6732del (p.Lys2244fs)

Gene: BRCA2 (BRCA2 DNA repair associated; plus strand). Cytogenetic location: 13q13.1.
Variant type: Deletion.
Coding change: c.6732del on transcript NM_000059.4 (MANE Select); coding-DNA position 6732, one base deleted (A; older notation c.6732delA).
Protein change: p.Lys2244fs; shifts the reading frame from lysine 2244.
Molecular consequence: frameshift variant.
Genome position (GRCh38, 1-based): chr13:32,341,087, A deleted; the last of 3 consecutive A bases (chr13:32,341,085-32,341,087); deleting any one gives the same sequence. VCF-style (leftmost placement, unchanged base first): chr13-32341084-TA-T. GRCh37 (hg19) VCF-style: chr13-32915221-TA-T.
Other names: c.6732delA (NM_000059.3).
Identifiers: ClinVar variation 52171 (VCV000052171.5), dbSNP rs397507879, ClinGen allele CA024348.